The following is an entry in ClinVar:

ClinVar aggregate classification (germline): Uncertain significance. Review status: criteria provided, multiple submitters, no conflicts (2 of 4 stars). 6 submissions from 6 submitters: Uncertain significance (6). Last evaluated 2026-07-31.

Conditions:
TTC21B-related disorder. Also called: TTC21B-related condition; TTC21B-related disorders.
Asphyxiating thoracic dystrophy 4 (SRTD4). Also called: SHORT-RIB THORACIC DYSPLASIA 4 WITH OR WITHOUT POLYDACTYLY; SHORT-RIB THORACIC DYSPLASIA 4. Identifiers: Orphanet 474, MedGen C3151185, MONDO:0013441, OMIM 613819.
Nephronophthisis 12 (NPHP12). Identifiers: Orphanet 655, MedGen C3151186, MONDO:0013442, OMIM 613820.
Jeune thoracic dystrophy. Also called: Jeune syndrome; Infantile thoracic dystrophy; Thoracic pelvic phalangeal dystrophy; Jeune's syndrome; Chondroectodermal dysplasia-like syndrome; Short-rib thoracic dysplasia. Identifiers: Orphanet 474, MedGen C0265275, MONDO:0018770.
Nephronophthisis. Also called: Juvenile Nephronophthisis. Identifiers: Orphanet 655, MedGen C0687120, MONDO:0019005, HP:0000090.
Inborn genetic diseases. Identifiers: MedGen C0950123, MeSH D030342.

Allele frequency attached by ClinVar (database versions not stated): gnomAD exomes 0.00001 and 0.00005; ExAC 0.00003; ESP Exome Variant Server 0.00008; gnomAD 0.00008 and 0.00009; TOPMed 0.00010; 1000 Genomes Project 30x 0.00016; 1000 Genomes Project 0.00020.
gnomAD v4.1: 34 of 1,612,990 alleles (0.0021%); highest among the groups gnomAD compares: African/African-American, 0.027%; no homozygotes.

Submissions (6):

PreventionGenetics, part of Exact Sciences
Classification: Uncertain significance for TTC21B-related condition. Last evaluated: 2026-07-31. Review status: criteria provided, single submitter. Criteria: ACMG Guidelines, 2015. Collection method: clinical testing. Allele origin: germline.
Comment: The TTC21B c.3673C>T variant is predicted to result in the amino acid substitution p.Arg1225Cys. To our knowledge, this variant has not been reported in the literature. This variant is reported in 0.032% of alleles in individuals of African descent in gnomAD. At this time, the clinical significance of this variant is uncertain due to the absence of conclusive functional and genetic evidence.

GeneDx
Classification: Uncertain significance. Last evaluated: 2024-10-07. Review status: criteria provided, single submitter. Criteria: GeneDx Variant Classification Process June 2021. Collection method: clinical testing. Allele origin: germline. Affected: yes.
Comment: In silico analysis supports that this missense variant has a deleterious effect on protein structure/function; Has not been previously published as pathogenic or benign to our knowledge

Ambry Genetics
Classification: Uncertain significance for Inborn genetic diseases. Last evaluated: 2024-07-31. Review status: criteria provided, single submitter. Criteria: Ambry Variant Classification Scheme 2023. Collection method: clinical testing. Allele origin: germline.

Fulgent Genetics
Classification: Uncertain significance for Asphyxiating thoracic dystrophy 4; Nephronophthisis 12. Last evaluated: 2024-05-03. Review status: criteria provided, single submitter. Criteria: ACMG Guidelines, 2015. Collection method: clinical testing. Allele origin: germline.

Blueprint Genetics
Classification: Uncertain significance. Last evaluated: 2022-11-09. Review status: criteria provided, single submitter. Criteria: ACMG Guidelines, 2015. Collection method: clinical testing. Allele origin: germline.

Labcorp Genetics (formerly Invitae), Labcorp
Classification: Uncertain significance for Jeune thoracic dystrophy; Nephronophthisis. Last evaluated: 2022-07-06. Review status: criteria provided, single submitter. Criteria: Invitae Variant Classification Sherloc (09022015). Collection method: clinical testing. Allele origin: germline.
Comment: This sequence change replaces arginine, which is basic and polar, with cysteine, which is neutral and slightly polar, at codon 1225 of the TTC21B protein (p.Arg1225Cys). This variant is present in population databases (rs377393152, gnomAD 0.03%). This variant has not been reported in the literature in individuals affected with TTC21B-related conditions. ClinVar contains an entry for this variant (Variation ID: 1524954). Algorithms developed to predict the effect of missense changes on protein structure and function output the following: SIFT: "Tolerated"; PolyPhen-2: "Benign"; Align-GVGD: "Class C0". The cysteine amino acid residue is found in multiple mammalian species, which suggests that this missense change does not adversely affect protein function. In summary, the available evidence is currently insufficient to determine the role of this variant in disease. Therefore, it has been classified as a Variant of Uncertain Significance.

NM_024753.5(TTC21B):c.3673C>T (p.Arg1225Cys)

Gene: TTC21B (tetratricopeptide repeat domain 21B; minus strand). Cytogenetic location: 2q24.3.
Variant type: single nucleotide variant.
Coding change: c.3673C>T on transcript NM_024753.5 (MANE Select); coding-DNA position 3673, C replaced by T.
Protein change: p.Arg1225Cys; replaces arginine 1225 with cysteine.
Molecular consequence: missense variant.
Genome position (GRCh38, 1-based): chr2:165,883,805, G>A on the plus strand (C>T on the coding strand, the complement: TTC21B is on the minus strand). VCF-style: chr2-165883805-G-A. GRCh37 (hg19) VCF-style: chr2-166740315-G-A.
Other names: c.3673C>T (NM_024753.4, NM_024753.3); short protein forms R1225C.
Identifiers: ClinVar variation 1524954 (VCV001524954.9), dbSNP rs377393152, ClinGen allele CA1941455.